The following is an entry in ClinVar:

ClinVar aggregate classification (germline): Uncertain significance (1 of 4 stars; one submission).

Conditions:
Developmental and epileptic encephalopathy, 25 (DEE25). Also called: Developmental and epileptic encephalopathy 25, with amelogenesis imperfecta; Epileptic encephalopathy, early infantile, 25, with amelogenesis imperfecta; Epileptic encephalopathy, early infantile, 25. Identifiers: Orphanet 442835, MedGen C4014621, MONDO:0014392, OMIM 615905.

Submission:

Labcorp Genetics (formerly Invitae), Labcorp
Classification: Uncertain significance for Developmental and epileptic encephalopathy, 25. Last evaluated: 2022-02-12. Review status: criteria provided, single submitter. Criteria: Invitae Variant Classification Sherloc (09022015). Collection method: clinical testing. Allele origin: germline.
Comment: This variant results in a copy number gain of the genomic region encompassing exon(s) 1-4 of the SLC13A5 gene. This region includes the initiator codon of the gene. This copy number gain extends beyond the assayed region for this gene and therefore may encompass additional genes. As the precise location of this event is unknown, it may be in tandem or it may be located elsewhere in the genome. This variant has not been reported in the literature in individuals affected with SLC13A5-related conditions. Experimental studies and prediction algorithms are not available or were not evaluated, and the functional significance of this variant is currently unknown. In summary, the available evidence is currently insufficient to determine the role of this variant in disease. Therefore, it has been classified as a Variant of Uncertain Significance.

NC_000017.10:g.(?_6607177)_(6616652_?)dup

Gene: SLC13A5 (solute carrier family 13 member 5; minus strand). Cytogenetic location: 17p13.1.
Variant type: Duplication.
Identifiers: ClinVar variation 2427556 (VCV002427556.6).